The following is an entry in ClinVar:

NM_005228.5(EGFR):c.101C>A (p.Thr34Lys)

Gene: EGFR (epidermal growth factor receptor; plus strand). Cytogenetic location: 7p11.2.
Variant type: single nucleotide variant.
Coding change: c.101C>A on transcript NM_005228.5 (MANE Select); coding-DNA position 101, C replaced by A.
Protein change: p.Thr34Lys; replaces threonine 34 with lysine.
Molecular consequence: missense variant. On other transcripts: 5 prime UTR variant (1), intron variant (1).
Genome position (GRCh38, 1-based): chr7:55,142,298, C>A. VCF-style: chr7-55142298-C-A. GRCh37 (hg19) VCF-style: chr7-55209991-C-A.
Other names: c.101C>A, p.Thr34Lys (NM_001346897.2, NM_001346898.2, NM_001346899.2 and 3 more transcripts); c.-59C>A (NM_001346900.2); c.89-13532C>A (NM_001346941.2); short protein forms T34K.
Identifiers: ClinVar variation 2133799 (VCV002133799.4), dbSNP rs144158123, ClinGen allele CA367574125.

ClinVar aggregate classification (germline): Uncertain significance (1 of 4 stars; one submission).

Conditions:
EGFR-related lung cancer (EGFR). Identifiers: MedGen CN130014.

Submission:

Labcorp Genetics (formerly Invitae), Labcorp
Classification: Uncertain significance for EGFR-related lung cancer. Last evaluated: 2022-09-09. Review status: criteria provided, single submitter. Criteria: Invitae Variant Classification Sherloc (09022015). Collection method: clinical testing. Allele origin: germline.
Comment: This variant is not present in population databases (gnomAD no frequency). This sequence change replaces threonine, which is neutral and polar, with lysine, which is basic and polar, at codon 34 of the EGFR protein (p.Thr34Lys). In summary, the available evidence is currently insufficient to determine the role of this variant in disease. Therefore, it has been classified as a Variant of Uncertain Significance. Algorithms developed to predict the effect of missense changes on protein structure and function are either unavailable or do not agree on the potential impact of this missense change (SIFT: "Deleterious"; PolyPhen-2: "Possibly Damaging"; Align-GVGD: "Class C0"). This variant has not been reported in the literature in individuals affected with EGFR-related conditions.